The following is an entry in ClinVar:

ClinVar aggregate classification (germline): Uncertain significance (1 of 4 stars; one submission).

Submission:

Labcorp Genetics (formerly Invitae), Labcorp
Classification: Uncertain significance. Last evaluated: 2022-01-03. Review status: criteria provided, single submitter. Criteria: Invitae Variant Classification Sherloc (09022015). Collection method: clinical testing. Allele origin: germline.
Comment: In summary, the available evidence is currently insufficient to determine the role of this variant in disease. Therefore, it has been classified as a Variant of Uncertain Significance. Advanced modeling of protein sequence and biophysical properties (such as structural, functional, and spatial information, amino acid conservation, physicochemical variation, residue mobility, and thermodynamic stability) performed at Invitae indicates that this missense variant is not expected to disrupt COL11A1 protein function. This variant has not been reported in the literature in individuals affected with COL11A1-related conditions. This variant is not present in population databases (gnomAD no frequency). This sequence change replaces glutamic acid, which is acidic and polar, with aspartic acid, which is acidic and polar, at codon 1031 of the COL11A1 protein (p.Glu1031Asp).

NM_001854.4(COL11A1):c.3093A>C (p.Glu1031Asp)

Gene: COL11A1 (collagen type XI alpha 1 chain; minus strand). Cytogenetic location: 1p21.1.
Variant type: single nucleotide variant.
Coding change: c.3093A>C on transcript NM_001854.4 (MANE Select); coding-DNA position 3093, A replaced by C.
Protein change: p.Glu1031Asp; replaces glutamic acid 1031 with aspartic acid.
Molecular consequence: missense variant. On other transcripts: non-coding transcript variant (1).
Genome position (GRCh38, 1-based): chr1:102,962,197, T>G on the plus strand (A>C on the coding strand, the complement: COL11A1 is on the minus strand). VCF-style: chr1-102962197-T-G. GRCh37 (hg19) VCF-style: chr1-103427753-T-G.
Other names: c.2745A>C, p.Glu915Asp (NM_001168249.1, NM_080630.4); c.2976A>C, p.Glu992Asp (NM_001190709.2); c.3129A>C, p.Glu1043Asp (NM_080629.3); short protein forms E1043D, E915D, E1031D, E992D.
Identifiers: ClinVar variation 2072097 (VCV002072097.4), dbSNP rs2524926910, ClinGen allele CA341156707.